The following is an entry in ClinVar:

NM_006158.5(NEFL):c.667C>T (p.Leu223=)

Gene: NEFL (neurofilament light chain; minus strand). Cytogenetic location: 8p21.2.
Variant type: single nucleotide variant.
Coding change: c.667C>T on transcript NM_006158.5 (MANE Select); coding-DNA position 667, C replaced by T.
Protein change: p.Leu223=; no amino-acid change (leucine 223 retained).
Molecular consequence: synonymous variant.
Genome position (GRCh38, 1-based): chr8:24,955,849, G>A on the plus strand (C>T on the coding strand, the complement: NEFL is on the minus strand). VCF-style: chr8-24955849-G-A. GRCh37 (hg19) VCF-style: chr8-24813363-G-A.
Other names: p.Leu223=.
Identifiers: ClinVar variation 66696 (VCV000066696.63), dbSNP rs60156239, ClinGen allele CA217573.
Genomic context (GRCh38, chr8:24,955,849, plus strand): 5'-TCTGCGCGTACTGGATCTGCGCCTGCAGTTCGGCGATCTCCTCTTCGTGCACTTTCTTCA[G>A]AAAAGAGATTTCGTCCATCAAGCTGTCGATGCGCTTCTCGAGCTCGGCGCGAGCGAGCGC-3'
Protein context (NP_006149.2, residues 213-233): IDSLMDEISF[Leu223=]KKVHEEEIAE

ClinVar aggregate classification (germline): Benign/Likely benign. Review status: criteria provided, multiple submitters, no conflicts (2 of 4 stars). 13 submissions from 13 submitters: Benign (7); Likely benign (2). 4 of the submissions do not count toward it. Last evaluated 2026-09-01.

Conditions:
Charcot-Marie-Tooth disease. Also called: Charcot-Marie-Tooth Hereditary Neuropathy; Charcot-Marie-Tooth Neuropathy. Identifiers: Orphanet 166, MedGen C0007959, MONDO:0015626.
Charcot-Marie-Tooth disease type 2E (CMT2E). Also called: CHARCOT-MARIE-TOOTH DISEASE, AXONAL, TYPE 2E; CHARCOT-MARIE-TOOTH NEUROPATHY, TYPE 2E. Identifiers: Orphanet 99939, MedGen C1843225, MONDO:0011894, OMIM 607684.

Allele frequency attached by ClinVar (database versions not stated): 1000 Genomes Project 0.00240; 1000 Genomes Project 30x 0.00250; TOPMed 0.00359; ESP Exome Variant Server 0.00372; gnomAD 0.00475 and 0.00494; gnomAD exomes 0.00537; ExAC 0.00609.
gnomAD v4.1: 10,563 of 1,610,090 alleles (0.66%); highest among the groups gnomAD compares: Non-Finnish European, 0.77%; 54 homozygotes.

Submissions (13):

CeGaT Center for Human Genetics Tuebingen
Classification: Likely benign. Last evaluated: 2026-09-01. Review status: criteria provided, single submitter. Criteria: CeGaT Center For Human Genetics Tuebingen Variant Classification Criteria Version 2. Collection method: clinical testing. Allele origin: germline. Affected: yes. Observed: 22 variant alleles.
Comment: NEFL: BP4, BS2

Labcorp Genetics (formerly Invitae), Labcorp
Classification: Benign for Charcot-Marie-Tooth disease type 2E. Last evaluated: 2026-01-31. Review status: criteria provided, single submitter. Criteria: Invitae Variant Classification Sherloc (09022015). Collection method: clinical testing. Allele origin: germline.

ARUP Laboratories, Molecular Genetics and Genomics, ARUP Laboratories
Classification: Benign. Last evaluated: 2025-07-30. Review status: criteria provided, single submitter. Criteria: ARUP Molecular Germline Variant Investigation Process 2024. Collection method: clinical testing. Allele origin: germline.

Athena Diagnostics
Classification: Benign. Last evaluated: 2017-11-22. Review status: criteria provided, single submitter. Criteria: Athena Diagnostics Criteria. Collection method: clinical testing. Allele origin: germline.

Mayo Clinic Laboratories, Mayo Clinic
Classification: Benign. Last evaluated: 2016-05-26. Review status: criteria provided, single submitter. Criteria: ACMG Guidelines, 2015. Collection method: clinical testing. Allele origin: germline. Observed: 31 variant alleles.

Eurofins Ntd Llc (ga)
Classification: Benign. Last evaluated: 2015-09-28. Review status: criteria provided, single submitter. Criteria: EGL Classification Definitions 2015. Collection method: clinical testing. Allele origin: germline. Observed: 1 variant allele, 1 heterozygote.

GeneDx
Classification: Benign. Last evaluated: 2015-03-03. Review status: criteria provided, single submitter. Criteria: GeneDx Variant Classification Process June 2021. Collection method: clinical testing. Allele origin: germline. Affected: yes.

Breakthrough Genomics
Classification: Likely benign. Review status: criteria provided, single submitter. Criteria: ACMG Guidelines, 2015. Collection method: not provided. Allele origin: germline. Inheritance: Autosomal recessive inheritance. Affected: yes.

Molecular Genetics Laboratory, London Health Sciences Centre
Classification: Benign for Charcot-Marie-Tooth disease. Review status: criteria provided, single submitter. Criteria: ACMG Guidelines, 2015. Collection method: clinical testing. Allele origin: germline. Affected: yes.

Clinical Genetics DNA and cytogenetics Diagnostics Lab, Erasmus MC, Erasmus Medical Center
Classification: Likely benign. Review status: no assertion criteria provided. Collection method: clinical testing. Allele origin: germline. Affected: yes. Study: VKGL Data-share Consensus. Not counted in ClinVar's aggregate classification.

Clinical Genetics, Academic Medical Center
Classification: Benign. Review status: no assertion criteria provided. Collection method: clinical testing. Allele origin: germline. Affected: yes. Study: VKGL Data-share Consensus. Not counted in ClinVar's aggregate classification.

Epithelial Biology;  Institute of Medical Biology, Singapore
No classification provided. Review status: no classification provided. Collection method: not provided. Allele origin: not provided. Not counted in ClinVar's aggregate classification.

Inherited Neuropathy Consortium
Classification: Benign. Review status: no assertion criteria provided. Collection method: literature only. Allele origin: germline. Affected: yes. Not counted in ClinVar's aggregate classification.

Literature cited by the submitters: PubMed 22765307 (cited by Athena Diagnostics); PubMed 12566280 (cited by Inherited Neuropathy Consortium).